The following is an entry in ClinVar:

ClinVar aggregate classification (germline): Uncertain significance (1 of 4 stars; one submission).

Submission:

Labcorp Genetics (formerly Invitae), Labcorp
Classification: Uncertain significance. Last evaluated: 2022-03-01. Review status: criteria provided, single submitter. Criteria: Invitae Variant Classification Sherloc (09022015). Collection method: clinical testing. Allele origin: germline.
Comment: In summary, the available evidence is currently insufficient to determine the role of this variant in disease. Therefore, it has been classified as a Variant of Uncertain Significance. Algorithms developed to predict the effect of missense changes on protein structure and function (SIFT, PolyPhen-2, Align-GVGD) all suggest that this variant is likely to be tolerated. This variant has not been reported in the literature in individuals affected with ADAMTSL4-related conditions. This variant is not present in population databases (gnomAD no frequency). This sequence change replaces aspartic acid, which is acidic and polar, with histidine, which is basic and polar, at codon 331 of the ADAMTSL4 protein (p.Asp331His).

NM_019032.6(ADAMTSL4):c.991G>C (p.Asp331His)

Genes: ADAMTSL4 (ADAMTS like 4; plus strand), ADAMTSL4-AS2 (ADAMTSL4 antisense RNA 2; minus strand). Cytogenetic location: 1q21.2.
Variant type: single nucleotide variant.
Coding change: c.991G>C on transcript NM_019032.6 (MANE Select); coding-DNA position 991, G replaced by C.
Protein change: p.Asp331His; replaces aspartic acid 331 with histidine.
Molecular consequence: missense variant.
Genome position (GRCh38, 1-based): chr1:150,553,982, G>C. VCF-style: chr1-150553982-G-C. GRCh37 (hg19) VCF-style: chr1-150526458-G-C.
Other names: c.991G>C, p.Asp331His (NM_001288607.2, NM_001288608.2, NM_001378596.1 and 1 more transcripts); short protein forms D331H.
Identifiers: ClinVar variation 2074586 (VCV002074586.4), dbSNP rs2526618644, ClinGen allele CA342303052.
Genomic context (GRCh38, chr1:150,553,982, plus strand): 5'-CAGCAGGGCCAAGGGCCTTGGGGAACGGGGGGGACTCCTCACGGGCCCCGCCTGGAGCCT[G>C]ACCCTCAGCACCCGGGCGCCTGGCTGCCCCTGCTGAGCAACGGCCCCCATGCCAGCTCCC-3'
Protein context (NP_061905.2, residues 321-341): GTPHGPRLEP[Asp331His]PQHPGAWLPL